The following is an entry in ClinVar:

ClinVar aggregate classification (germline): Pathogenic. Review status: criteria provided, multiple submitters, no conflicts (2 of 4 stars). 4 submissions from 4 submitters: Pathogenic (4). Last evaluated 2024-03-07.

Conditions:
Spastic paraplegia. Identifiers: MedGen C0037772, HP:0001258.
Hereditary spastic paraplegia. Also called: Familial spastic paraparesis. Identifiers: Orphanet 685, MedGen C0037773, MONDO:0019064. Disease mechanism: loss of function.
Hereditary spastic paraplegia 15 (SPG15). Also called: SPASTIC PARAPLEGIA 15, AUTOSOMAL RECESSIVE; KJELLIN SYNDROME; SPASTIC PARAPLEGIA AND RETINAL DEGENERATION. Identifiers: Orphanet 100996, MedGen C1849128, MONDO:0010044, OMIM 270700.

Allele frequency attached by ClinVar (database versions not stated): gnomAD exomes below 0.00001; gnomAD 0.00001; TOPMed 0.00001.

Submissions (4):

Fulgent Genetics
Classification: Pathogenic for Hereditary spastic paraplegia 15. Last evaluated: 2024-03-07. Review status: criteria provided, single submitter. Criteria: ACMG Guidelines, 2015. Collection method: clinical testing. Allele origin: germline.

Labcorp Genetics (formerly Invitae), Labcorp
Classification: Pathogenic for Spastic paraplegia. Last evaluated: 2023-11-27. Review status: criteria provided, single submitter. Criteria: Invitae Variant Classification Sherloc (09022015). Collection method: clinical testing. Allele origin: germline.
Comment: This sequence change creates a premature translational stop signal (p.Asn2100Glufs*12) in the ZFYVE26 gene. It is expected to result in an absent or disrupted protein product. Loss-of-function variants in ZFYVE26 are known to be pathogenic (PMID: 18394578, 19805727). This variant is not present in population databases (gnomAD no frequency). This premature translational stop signal has been observed in individuals with hereditary spastic paraplegia (PMID: 19805727, 28832565). It has also been observed to segregate with disease in related individuals. ClinVar contains an entry for this variant (Variation ID: 424650). Algorithms developed to predict the effect of sequence changes on RNA splicing suggest that this variant may disrupt the consensus splice site. For these reasons, this variant has been classified as Pathogenic.

Mendelics
Classification: Pathogenic for Hereditary spastic paraplegia 15. Last evaluated: 2022-05-04. Review status: criteria provided, single submitter. Criteria: Mendelics Assertion Criteria 2019. Collection method: clinical testing. Allele origin: germline.

Unit for Genetic & Epidemiological Research on Neurological Disorders, Instituto de Investigação e Inovação em Saúde
Classification: Pathogenic for Hereditary spastic paraplegia. Last evaluated: 2017-03-07. Review status: criteria provided, single submitter. Criteria: Morais et al. (Eur J Hum Genet. 2017). Collection method: research. Allele origin: inherited. Affected: yes.

Literature cited by the submitters: PubMed 18394578 (cited by Labcorp Genetics (formerly Invitae), Labcorp); PubMed 19805727 (cited by Labcorp Genetics (formerly Invitae), Labcorp); PubMed 28832565 (cited by Labcorp Genetics (formerly Invitae), Labcorp).

NM_015346.4(ZFYVE26):c.6296dup (p.Asn2100fs)

Gene: ZFYVE26 (zinc finger FYVE-type containing 26; minus strand). Cytogenetic location: 14q24.1.
Variant type: Duplication.
Coding change: c.6296dup on transcript NM_015346.4 (MANE Select); coding-DNA position 6296, one base duplicated (T; older notation c.6296dupT).
Protein change: p.Asn2100fs; shifts the reading frame from asparagine 2100.
Molecular consequence: frameshift variant.
Genome position (GRCh38, 1-based): chr14:67,762,276, A duplicated on the plus strand (T on the coding strand, the reverse complement: ZFYVE26 is on the minus strand). VCF-style (leftmost placement, unchanged base first): chr14-67762275-C-CA. GRCh37 (hg19) VCF-style: chr14-68228992-C-CA.
Other names: short protein forms N2100fs.
Identifiers: ClinVar variation 424650 (VCV000424650.9), dbSNP rs1555394376, ClinGen allele CA658658263.